The following is an entry in ClinVar:

ClinVar aggregate classification (germline): Pathogenic/Likely pathogenic. Review status: criteria provided, multiple submitters, no conflicts (2 of 4 stars). 2 submissions from 2 submitters: Pathogenic (1); Likely pathogenic (1). Last evaluated 2024-07-16.

Conditions:
KMT2D-related disorder. Also called: KMT2D-Related Disorders.

Submissions (2):

Blueprint Genetics
Classification: Likely pathogenic for KMT2D-related disorders. Last evaluated: 2024-07-16. Review status: criteria provided, single submitter. Criteria: ACMG Guidelines, 2015. Collection method: clinical testing. Allele origin: germline. Affected: yes. Observed: 1 variant allele.

GeneDx
Classification: Pathogenic. Last evaluated: 2022-05-12. Review status: criteria provided, single submitter. Criteria: GeneDx Variant Classification Process June 2021. Collection method: clinical testing. Allele origin: germline. Affected: yes.
Comment: Nonsense variant predicted to result in protein truncation or nonsense mediated decay in a gene for which loss of function is a known mechanism of disease; Not observed at significant frequency in large population cohorts (gnomAD); Has not been previously published as pathogenic or benign to our knowledge

NM_003482.4(KMT2D):c.12778C>T (p.Gln4260Ter)

Gene: KMT2D (lysine methyltransferase 2D; minus strand). Cytogenetic location: 12q13.12.
Variant type: single nucleotide variant.
Coding change: c.12778C>T on transcript NM_003482.4 (MANE Select); coding-DNA position 12778, C replaced by T.
Protein change: p.Gln4260Ter; replaces glutamine 4260 with a stop codon.
Molecular consequence: nonsense.
Genome position (GRCh38, 1-based): chr12:49,031,927, G>A on the plus strand (C>T on the coding strand, the complement: KMT2D is on the minus strand). VCF-style: chr12-49031927-G-A. GRCh37 (hg19) VCF-style: chr12-49425710-G-A.
Other names: short protein forms Q4260*.
Identifiers: ClinVar variation 620436 (VCV000620436.4), dbSNP rs1565773662, ClinGen allele CA384709310.